The following is an entry in ClinVar:

NM_017777.4(MKS1):c.1365del (p.Glu455fs)

Gene: MKS1 (MKS transition zone complex subunit 1; minus strand). Cytogenetic location: 17q22.
Variant type: Deletion.
Coding change: c.1365del on transcript NM_017777.4 (MANE Select); coding-DNA position 1365, one base deleted (A; older notation c.1365delA).
Protein change: p.Glu455fs; shifts the reading frame from glutamic acid 455.
Molecular consequence: frameshift variant. On other transcripts: intron variant (1).
Genome position (GRCh38, 1-based): chr17:58,207,127, T deleted on the plus strand (A on the coding strand, the reverse complement: MKS1 is on the minus strand); the first of 2 consecutive T bases (chr17:58,207,127-58,207,128); deleting either gives the same sequence. VCF-style (leftmost placement, unchanged base first): chr17-58207126-GT-G. GRCh37 (hg19) VCF-style: chr17-56284487-GT-G.
Other names: c.756del, p.Glu252fs (NM_001321268.2); c.1365del, p.Glu455fs (NM_001321269.2); c.1274-747del (NM_001330397.2); short protein forms E252fs, E455fs.
Identifiers: ClinVar variation 2127974 (VCV002127974.4), dbSNP rs1567795267, ClinGen allele CA626729199.
Genomic context (GRCh38, chr17:58,207,126, plus strand): 5'-CTCCAAAGACAAAAGTCACCTTGAAGGATCCTGGTATCCGTACATAGGAGAGGTCCTCCA[GT>G]TCCAGAGAACCGCCAATGAAAAACCTCCTCAGCTCAGCCACCGTGCCAAGCTCCACAGGT-3'

ClinVar aggregate classification (germline): Pathogenic (1 of 4 stars; one submission).

Conditions:
Joubert syndrome. Also called: CEREBELLOPARENCHYMAL DISORDER IV; JOUBERT-BOLTSHAUSER SYNDROME; Familial aplasia of the vermis. Identifiers: Orphanet 475, MedGen C5979921, MONDO:0018772.
Meckel-Gruber syndrome. Also called: DYSENCEPHALIA SPLANCHNOCYSTICA; GRUBER SYNDROME; Dysencephalia splachnocystica. Identifiers: Orphanet 564, MedGen C0265215, MONDO:0018921.

Submission:

Labcorp Genetics (formerly Invitae), Labcorp
Classification: Pathogenic for Joubert syndrome; Meckel-Gruber syndrome. Last evaluated: 2024-04-25. Review status: criteria provided, single submitter. Criteria: Invitae Variant Classification Sherloc (09022015). Collection method: clinical testing. Allele origin: germline.
Comment: This sequence change creates a premature translational stop signal (p.Glu455Aspfs*19) in the MKS1 gene. It is expected to result in an absent or disrupted protein product. Loss-of-function variants in MKS1 are known to be pathogenic (PMID: 19466712, 24886560, 26490104). This variant is present in population databases (no rsID available, gnomAD 0.0009%). This variant has not been reported in the literature in individuals affected with MKS1-related conditions. ClinVar contains an entry for this variant (Variation ID: 2127974). For these reasons, this variant has been classified as Pathogenic.

Literature cited by the submitters: PubMed 19466712; PubMed 24886560; PubMed 26490104.